The following is an entry in ClinVar:

ClinVar aggregate classification (germline): Uncertain significance. Review status: reviewed by expert panel (3 of 4 stars). 8 submissions from 8 submitters: Uncertain significance (1). 7 of the submissions do not count toward it. Last evaluated 2024-09-03.

Conditions:
Cardiovascular phenotype. Identifiers: MedGen CN230736.
Glycogen storage disease, type II (IOPD). Also called: Glucosidase acid-1,4-alpha deficiency; CARDIOMEGALIA GLYCOGENICA DIFFUSA; GLYCOGENOSIS, GENERALIZED, CARDIAC FORM; GSD II; Pompe Disease; Glycogen storage disease type 2. Identifiers: Orphanet 365, MedGen C0017921, MONDO:0009290, OMIM 232300.

Allele frequency attached by ClinVar (database versions not stated): gnomAD below 0.00001 and 0.00003; TOPMed below 0.00001; gnomAD exomes 0.00004 and 0.00007; ExAC 0.00009; 1000 Genomes Project 0.00040; 1000 Genomes Project 30x 0.00062.

Submissions (8):

ClinGen Lysosomal Storage Disorder Variant Curation Expert Panel
Classification: Uncertain significance for Glycogen storage disease, type II. Last evaluated: 2024-09-03. Review status: reviewed by expert panel. Criteria: clingen_lsd_acmg_specifications_v2-1. Collection method: curation. Allele origin: germline. Inheritance: Autosomal recessive inheritance.
Comment: The NM_000152.5:c.1722C>T (p.Leu574=) variant is a synonymous (silent) variant that is not predicted by SpliceAI to impact splicing. However, it occurs at a nucleotide that is conserved as shown by PhyloP score of 0.218, so BP7 cannot be applied. The highest population minor allele frequency in gnomAD v4.10. is 0.0006477 (59/91092 alleles) in the South Asian population, which is lower than the ClinGen Lysosomal Diseases VCEP’s threshold for PM2_Supporting (<0.001), meeting this criterion (PM2_Supporting). It has not been reported in any individuals with Pompe disease to our knowledge. There is a ClinVar entry for this variant (Variation ID: 193975). Due to conflicting evidence, this variant is classified as a variant of unknown significance for Pompe disease based on the GAA-specific ACMG/AMP criteria applied, as specified by the ClinGen Lysosomal Diseases Variant Curation Expert Panel (Specifications Version 2.0): PM2_supporting, BP4. (Classification approved by the ClinGen Lysosomal Diseases Variant Curation Expert Panel on September 3, 2024)

Labcorp Genetics (formerly Invitae), Labcorp
Classification: Likely benign for Glycogen storage disease, type II. Last evaluated: 2026-01-28. Review status: criteria provided, single submitter. Criteria: Invitae Variant Classification Sherloc (09022015). Collection method: clinical testing. Allele origin: germline. Not counted in ClinVar's aggregate classification.

Revvity Omics, Revvity
Classification: Uncertain significance. Last evaluated: 2025-06-04. Review status: criteria provided, single submitter. Criteria: ACMG Guidelines, 2015. Collection method: clinical testing. Allele origin: germline. Not counted in ClinVar's aggregate classification.

CeGaT Center for Human Genetics Tuebingen
Classification: Likely benign. Last evaluated: 2023-08-01. Review status: criteria provided, single submitter. Criteria: CeGaT Center For Human Genetics Tuebingen Variant Classification Criteria Version 2. Collection method: clinical testing. Allele origin: germline. Affected: yes. Observed: 1 variant allele. Not counted in ClinVar's aggregate classification.
Comment: GAA: BP4, BP7

Ambry Genetics
Classification: Likely benign for Cardiovascular phenotype. Last evaluated: 2023-05-06. Review status: criteria provided, single submitter. Criteria: Ambry Variant Classification Scheme 2023. Collection method: clinical testing. Allele origin: germline. Not counted in ClinVar's aggregate classification.

Blueprint Genetics
Classification: Likely benign. Last evaluated: 2021-08-24. Review status: criteria provided, single submitter. Criteria: ACMG Guidelines, 2015. Collection method: clinical testing. Allele origin: germline. Not counted in ClinVar's aggregate classification.

Genome-Nilou Lab
Classification: Uncertain significance for Glycogen storage disease, type II. Last evaluated: 2021-07-22. Review status: criteria provided, single submitter. Criteria: ACMG Guidelines, 2015. Collection method: clinical testing. Allele origin: germline. Affected: no. Not counted in ClinVar's aggregate classification.

Eurofins Ntd Llc (ga)
Classification: Uncertain significance. Last evaluated: 2015-04-15. Review status: criteria provided, single submitter. Criteria: EGL Classification Definitions 2015. Collection method: clinical testing. Allele origin: germline. Observed: 2 variant alleles, 2 heterozygotes. Not counted in ClinVar's aggregate classification.

NM_000152.5(GAA):c.1722C>T (p.Leu574=)

Gene: GAA (alpha glucosidase; plus strand). Cytogenetic location: 17q25.3.
Variant type: single nucleotide variant.
Coding change: c.1722C>T on transcript NM_000152.5 (MANE Select); coding-DNA position 1722, C replaced by T.
Protein change: p.Leu574=; no amino-acid change (leucine 574 retained).
Molecular consequence: synonymous variant.
Genome position (GRCh38, 1-based): chr17:80,112,068, C>T. VCF-style: chr17-80112068-C-T. GRCh37 (hg19) VCF-style: chr17-78085867-C-T.
Other names: NM_000152.5(GAA):c.1722C>T; p.Leu574=; c.1722C>T, p.Leu574= (NM_001079803.3, NM_001079804.3).
Identifiers: ClinVar variation 193975 (VCV000193975.49), dbSNP rs561357893, ClinGen allele CA239730.